The following is an entry in ClinVar:

ClinVar aggregate classification (germline): Uncertain significance (1 of 4 stars; one submission).

Submission:

Laboratory for Molecular Medicine, Mass General Brigham Personalized Medicine
Classification: Uncertain significance. Last evaluated: 2014-08-22. Review status: criteria provided, single submitter. Criteria: LMM Criteria. Collection method: clinical testing. Allele origin: germline. Observed: 1 variant allele.
Comment: The Glu2895Asp variant in TTN has not been previously reported in individuals wi th cardiomyopathy or in large population studies. Computational prediction tool s and conservation analysis do not provide strong support for or against an impa ct to the protein. In summary, the clinical significance of the Glu2895Asp varia nt is uncertain.

NM_001267550.2(TTN):c.8685G>T (p.Glu2895Asp)

Gene: TTN (titin; minus strand). Cytogenetic location: 2q31.2.
Variant type: single nucleotide variant.
Coding change: c.8685G>T on transcript NM_001267550.2 (MANE Select); coding-DNA position 8685, G replaced by T.
Protein change: p.Glu2895Asp; replaces glutamic acid 2895 with aspartic acid.
Molecular consequence: missense variant.
Genome position (GRCh38, 1-based): chr2:178,769,896, C>A on the plus strand (G>T on the coding strand, the complement: TTN is on the minus strand). VCF-style: chr2-178769896-C-A. GRCh37 (hg19) VCF-style: chr2-179634623-C-A.
Other names: c.8685G>T, p.Glu2895Asp (NM_133378.4, NM_001256850.1, NM_133379.5); c.8547G>T, p.Glu2849Asp (NM_003319.4, NM_133432.3, NM_133437.4); short protein forms E2895D, E2849D.
Identifiers: ClinVar variation 166302 (VCV000166302.5), dbSNP rs727503685, ClinGen allele CA179239.